The following is an entry in ClinVar:

ClinVar aggregate classification (germline): Pathogenic. Review status: criteria provided, multiple submitters, no conflicts (2 of 4 stars). 2 submissions from 2 submitters: Pathogenic (2). Last evaluated 2022-08-09.

Conditions:
Osteogenesis imperfecta type I (OI1). Also called: Lobstein disease; Classic Non-deforming Osteogenesis Imperfecta with Blue Sclerae; OI, TYPE I; OSTEOGENESIS IMPERFECTA TARDA; OSTEOGENESIS IMPERFECTA WITH BLUE SCLERAE; Osteogenesis imperfecta type 1. Identifiers: Orphanet 216796, Orphanet 666, MedGen C0023931, MONDO:0008146, OMIM 166200. Disease mechanism: loss of function.
COL1A1-related disorder. Also called: COL1A1- related disease; COL1A1-related condition.

Submissions (2):

Labcorp Genetics (formerly Invitae), Labcorp
Classification: Pathogenic for Osteogenesis imperfecta type I. Last evaluated: 2022-08-09. Review status: criteria provided, single submitter. Criteria: Invitae Variant Classification Sherloc (09022015). Collection method: clinical testing. Allele origin: germline.
Comment: This variant is not present in population databases (gnomAD no frequency). For these reasons, this variant has been classified as Pathogenic. Algorithms developed to predict the effect of sequence changes on RNA splicing suggest that this variant may disrupt the consensus splice site. ClinVar contains an entry for this variant (Variation ID: 1458452). Disruption of this splice site has been observed in individual(s) with osteogenesis imperfecta (PMID: 25963598, 28725987). This sequence change affects an acceptor splice site in intron 44 of the COL1A1 gene. It is expected to disrupt RNA splicing. Variants that disrupt the donor or acceptor splice site typically lead to a loss of protein function (PMID: 16199547), and loss-of-function variants in COL1A1 are known to be pathogenic (PMID: 7942841, 9295084, 9443882).

Blueprint Genetics
Classification: Pathogenic for COL1A1-related disorders. Last evaluated: 2019-04-30. Review status: criteria provided, single submitter. Criteria: ACMG Guidelines, 2015. Collection method: clinical testing. Allele origin: germline. Affected: yes. Observed: 1 variant allele.

Literature cited by the submitters: PubMed 25963598 (cited by Labcorp Genetics (formerly Invitae), Labcorp); PubMed 28725987 (cited by Labcorp Genetics (formerly Invitae), Labcorp); PubMed 16199547 (cited by Labcorp Genetics (formerly Invitae), Labcorp); PubMed 7942841 (cited by Labcorp Genetics (formerly Invitae), Labcorp); PubMed 9295084 (cited by Labcorp Genetics (formerly Invitae), Labcorp); PubMed 9443882 (cited by Labcorp Genetics (formerly Invitae), Labcorp).

NM_000088.4(COL1A1):c.3262-1G>A

Gene: COL1A1 (collagen type I alpha 1 chain; minus strand). Cytogenetic location: 17q21.33.
Variant type: single nucleotide variant.
Coding change: c.3262-1G>A on transcript NM_000088.4 (MANE Select); the canonical splice acceptor site of the intron before coding-DNA position 3262, G replaced by A.
Molecular consequence: splice acceptor variant.
Genome position (GRCh38, 1-based): chr17:50,187,984, C>T on the plus strand (G>A on the coding strand, the complement: COL1A1 is on the minus strand). VCF-style: chr17-50187984-C-T. GRCh37 (hg19) VCF-style: chr17-48265345-C-T.
Identifiers: ClinVar variation 1458452 (VCV001458452.7), dbSNP rs2144542880, ClinGen allele CA400199962.